The following is an entry in ClinVar:

ClinVar aggregate classification (germline): Uncertain significance. Review status: criteria provided, multiple submitters, no conflicts (2 of 4 stars). 2 submissions from 2 submitters: Uncertain significance (2). Last evaluated 2024-04-22.

Conditions:
Familial thoracic aortic aneurysm and aortic dissection (TAAD). Also called: Thoracic aortic aneurysms and dissections. Identifiers: Orphanet 91387, MedGen C4707243, MONDO:0019625.
Aortic aneurysm, familial thoracic 7 (AAT7). Also called: AORTIC DISSECTION, FAMILIAL, WITH OR WITHOUT AORTIC ANEURYSM. Identifiers: MedGen C3151077, MONDO:0013418, OMIM 613780.

gnomAD v4.1: 3 of 1,613,808 alleles (0.00019%); highest among the groups gnomAD compares: African/African-American, 0.0013%; no homozygotes.

Submissions (2):

Labcorp Genetics (formerly Invitae), Labcorp
Classification: Uncertain significance for Aortic aneurysm, familial thoracic 7. Last evaluated: 2024-04-22. Review status: criteria provided, single submitter. Criteria: Invitae Variant Classification Sherloc (09022015). Collection method: clinical testing. Allele origin: germline.
Comment: This sequence change replaces arginine, which is basic and polar, with serine, which is neutral and polar, at codon 876 of the MYLK protein (p.Arg876Ser). This variant is not present in population databases (gnomAD no frequency). This variant has not been reported in the literature in individuals affected with MYLK-related conditions. ClinVar contains an entry for this variant (Variation ID: 252771). Advanced modeling of protein sequence and biophysical properties (such as structural, functional, and spatial information, amino acid conservation, physicochemical variation, residue mobility, and thermodynamic stability) performed at Invitae indicates that this missense variant is not expected to disrupt MYLK protein function with a negative predictive value of 80%. In summary, the available evidence is currently insufficient to determine the role of this variant in disease. Therefore, it has been classified as a Variant of Uncertain Significance.

Genomic Diagnostic Laboratory, Division of Genomic Diagnostics, Children's Hospital of Philadelphia
Classification: Uncertain significance for Familial thoracic aortic aneurysm and aortic dissection. Last evaluated: 2015-11-30. Review status: criteria provided, single submitter. Criteria: DGD Variant Analysis Guidelines. Collection method: clinical testing. Allele origin: unknown.

NM_053025.4(MYLK):c.2626C>A (p.Arg876Ser)

Gene: MYLK (myosin light chain kinase; minus strand). Cytogenetic location: 3q21.1.
Variant type: single nucleotide variant.
Coding change: c.2626C>A on transcript NM_053025.4 (MANE Select); coding-DNA position 2626, C replaced by A.
Protein change: p.Arg876Ser; replaces arginine 876 with serine.
Molecular consequence: missense variant.
Genome position (GRCh38, 1-based): chr3:123,700,842, G>T on the plus strand (C>A on the coding strand, the complement: MYLK is on the minus strand). VCF-style: chr3-123700842-G-T. GRCh37 (hg19) VCF-style: chr3-123419689-G-T.
Other names: c.2098C>A, p.Arg700Ser (NM_001321309.2); c.2419C>A, p.Arg807Ser (NM_053026.4, NM_053028.4); c.2626C>A, p.Arg876Ser (NM_053027.4); short protein forms R876S, R700S, R807S.
Identifiers: ClinVar variation 252771 (VCV000252771.4), dbSNP rs369503342, ClinGen allele CA10585973.